The following is an entry in ClinVar:

NM_004970.3(IGFALS):c.153C>T (p.Asp51=)

Gene: IGFALS (insulin like growth factor binding protein acid labile subunit; minus strand). Cytogenetic location: 16p13.3.
Variant type: single nucleotide variant.
Coding change: c.153C>T on transcript NM_004970.3 (MANE Select); coding-DNA position 153, C replaced by T.
Protein change: p.Asp51=; no amino-acid change (aspartic acid 51 retained).
Molecular consequence: synonymous variant. On other transcripts: non-coding transcript variant (1).
Genome position (GRCh38, 1-based): chr16:1,792,265, G>A on the plus strand (C>T on the coding strand, the complement: IGFALS is on the minus strand). VCF-style: chr16-1792265-G-A. GRCh37 (hg19) VCF-style: chr16-1842266-G-A.
Other names: c.267C>T, p.Asp89= (NM_001146006.2).
Identifiers: ClinVar variation 3043074 (VCV003043074.2), dbSNP rs747677141, ClinGen allele CA7820697.

ClinVar aggregate classification (germline): Likely benign (0 of 4 stars; one submission).

Conditions:
IGFALS-related disorder. Also called: IGFALS-related condition.

gnomAD v4.1: 29 of 1,601,260 alleles (0.0018%); highest among the groups gnomAD compares: East Asian, 0.022%; no homozygotes.

Submission:

PreventionGenetics, part of Exact Sciences
Classification: Likely benign for IGFALS-related condition. Last evaluated: 2023-08-08. Review status: no assertion criteria provided. Collection method: clinical testing. Allele origin: germline.
Comment: This variant is classified as likely benign based on ACMG/AMP sequence variant interpretation guidelines (Richards et al. 2015 PMID: 25741868, with internal and published modifications).